The following is an entry in ClinVar:

NM_005876.5(SPEG):c.6044C>G (p.Ser2015Trp)

Genes: ASIC4-AS1 (ASIC4 antisense RNA 1; minus strand), SPEG (striated muscle enriched protein kinase; plus strand). Cytogenetic location: 2q35.
Variant type: single nucleotide variant.
Coding change: c.6044C>G on transcript NM_005876.5 (MANE Select); coding-DNA position 6044, C replaced by G.
Protein change: p.Ser2015Trp; replaces serine 2015 with tryptophan.
Molecular consequence: missense variant.
Genome position (GRCh38, 1-based): chr2:219,483,507, C>G. VCF-style: chr2-219483507-C-G. GRCh37 (hg19) VCF-style: chr2-220348229-C-G.
Other names: short protein forms S2015W.
Identifiers: ClinVar variation 1988988 (VCV001988988.4), dbSNP rs1693063911, ClinGen allele CA350694834.

ClinVar aggregate classification (germline): Uncertain significance (1 of 4 stars; one submission).

Submission:

Labcorp Genetics (formerly Invitae), Labcorp
Classification: Uncertain significance. Last evaluated: 2022-05-04. Review status: criteria provided, single submitter. Criteria: Invitae Variant Classification Sherloc (09022015). Collection method: clinical testing. Allele origin: germline.
Comment: In summary, the available evidence is currently insufficient to determine the role of this variant in disease. Therefore, it has been classified as a Variant of Uncertain Significance. Algorithms developed to predict the effect of missense changes on protein structure and function are either unavailable or do not agree on the potential impact of this missense change (SIFT: "Deleterious"; PolyPhen-2: "Probably Damaging"; Align-GVGD: "Class C15"). This variant has not been reported in the literature in individuals affected with SPEG-related conditions. This variant is not present in population databases (gnomAD no frequency). This sequence change replaces serine, which is neutral and polar, with tryptophan, which is neutral and slightly polar, at codon 2015 of the SPEG protein (p.Ser2015Trp).